The following is an entry in ClinVar:

ClinVar aggregate classification (germline): Uncertain significance (1 of 4 stars; one submission).

Conditions:
Inborn genetic diseases. Identifiers: MedGen C0950123, MeSH D030342.

Submission:

Ambry Genetics
Classification: Uncertain significance for Inborn genetic diseases. Last evaluated: 2025-03-06. Review status: criteria provided, single submitter. Criteria: Ambry Variant Classification Scheme 2023. Collection method: clinical testing. Allele origin: germline.
Comment: The p.P592A variant (also known as c.1774C>G), located in coding exon 11 of the PIK3CA gene, results from a C to G substitution at nucleotide position 1774. The proline at codon 592 is replaced by alanine, an amino acid with highly similar properties. This amino acid position is conserved. In addition, this alteration is predicted to be tolerated by in silico analysis. Based on the available evidence, the clinical significance of this variant remains unclear.

NM_006218.4(PIK3CA):c.1774C>G (p.Pro592Ala)

Gene: PIK3CA (phosphatidylinositol-4,5-bisphosphate 3-kinase catalytic subunit alpha; plus strand). Cytogenetic location: 3q26.32.
Variant type: single nucleotide variant.
Coding change: c.1774C>G on transcript NM_006218.4 (MANE Select); coding-DNA position 1774, C replaced by G.
Protein change: p.Pro592Ala; replaces proline 592 with alanine.
Molecular consequence: missense variant.
Genome position (GRCh38, 1-based): chr3:179,219,598, C>G. VCF-style: chr3-179219598-C-G. GRCh37 (hg19) VCF-style: chr3-178937386-C-G.
Other names: short protein forms P592A.
Identifiers: ClinVar variation 3888958 (VCV003888958.1).